The following is an entry in ClinVar:

ClinVar aggregate classification (germline): Uncertain significance (1 of 4 stars; one submission).

Conditions:
Primary dilated cardiomyopathy (DCM). Also called: Dilated Cardiomyopathy. Identifiers: Orphanet 217604, MedGen C0007193, MeSH D002311, MONDO:0005021, HP:0001644. Inheritance: Various modes of inheritance.

Submission:

Petrovsky National Research Centre of Surgery, The Federal Agency for Scientific Organizations
Classification: Uncertain significance for Primary dilated cardiomyopathy. Last evaluated: 2023-06-06. Review status: criteria provided, single submitter. Criteria: ACMG Guidelines, 2015. Collection method: clinical testing. Allele origin: germline. Affected: yes.
Comment: This variant is absent in The Genome Aggregation Database (gnomAD) (Date of access 06-06-2023). Alternative nucleotide change NM_000256:c.93C>T (p.Ala31=) has been reported in the Clinvar (Variation ID: 42811). In silico splice predictors either show result below significant threshold (SpliceAI) or can’t identify right acceptor site (FruitFly, NetGene2, GeneSplicer). In accordance with ACMG(2015) this variant is classified as Variant of Uncertain Significance (VUS) with following criteria selected: PM2.

NM_000256.3(MYBPC3):c.93C>A (p.Ala31=)

Gene: MYBPC3 (myosin binding protein C3; minus strand). Cytogenetic location: 11p11.2.
Variant type: single nucleotide variant.
Coding change: c.93C>A on transcript NM_000256.3 (MANE Select); coding-DNA position 93, C replaced by A.
Protein change: p.Ala31=; no amino-acid change (alanine 31 retained).
Molecular consequence: synonymous variant.
Genome position (GRCh38, 1-based): chr11:47,351,438, G>T on the plus strand (C>A on the coding strand, the complement: MYBPC3 is on the minus strand). VCF-style: chr11-47351438-G-T. GRCh37 (hg19) VCF-style: chr11-47372989-G-T.
Other names: p.Ala31=.
Identifiers: ClinVar variation 2671828 (VCV002671828.2), dbSNP rs397516085, ClinGen allele CA474429830.